The following is an entry in ClinVar:

NM_000388.4(CASR):c.1173C>T (p.Phe391=)

Gene: CASR (calcium sensing receptor; plus strand). Cytogenetic location: 3q21.1.
Variant type: single nucleotide variant.
Coding change: c.1173C>T on transcript NM_000388.4 (MANE Select); coding-DNA position 1173, C replaced by T.
Protein change: p.Phe391=; no amino-acid change (phenylalanine 391 retained).
Molecular consequence: synonymous variant.
Genome position (GRCh38, 1-based): chr3:122,262,208, C>T. VCF-style: chr3-122262208-C-T. GRCh37 (hg19) VCF-style: chr3-121981055-C-T.
Other names: c.1173C>T, p.Phe391= (NM_001178065.2).
Identifiers: ClinVar variation 514905 (VCV000514905.13), dbSNP rs998012311, ClinGen allele CA82738939.

ClinVar aggregate classification (germline): Likely benign. Review status: criteria provided, multiple submitters, no conflicts (2 of 4 stars). 4 submissions from 4 submitters: Likely benign (4). Last evaluated 2025-05-05.

Conditions:
Nephrolithiasis/nephrocalcinosis. Identifiers: MedGen CN580796.
Familial hypocalciuric hypercalcemia (FHH). Also called: Familial benign hypercalcemia. Identifiers: Orphanet 405, MedGen C1809471, MONDO:0018458.
Autosomal dominant hypocalcemia 1 (HYPOC1). Also called: HYPOCALCEMIA, FAMILIAL. Identifiers: MedGen C3715128, MONDO:0011013, OMIM 601198.

Allele frequency attached by ClinVar (database versions not stated): TOPMed below 0.00001; gnomAD 0.00001; gnomAD exomes 0.00004.
gnomAD v4.1: 53 of 1,614,010 alleles (0.0033%); highest among the groups gnomAD compares: Non-Finnish European, 0.0045%; no homozygotes.

Submissions (4):

Labcorp Genetics (formerly Invitae), Labcorp
Classification: Likely benign for Familial hypocalciuric hypercalcemia; Autosomal dominant hypocalcemia 1. Last evaluated: 2025-05-05. Review status: criteria provided, single submitter. Criteria: Invitae Variant Classification Sherloc (09022015). Collection method: clinical testing. Allele origin: germline.

Ambry Genetics
Classification: Likely benign for Nephrolithiasis/nephrocalcinosis. Last evaluated: 2022-06-14. Review status: criteria provided, single submitter. Criteria: Ambry Variant Classification Scheme 2023. Collection method: clinical testing. Allele origin: germline.

Blueprint Genetics
Classification: Likely benign. Last evaluated: 2021-02-15. Review status: criteria provided, single submitter. Criteria: ACMG Guidelines, 2015. Collection method: clinical testing. Allele origin: germline.

GeneDx
Classification: Likely benign. Last evaluated: 2018-01-11. Review status: criteria provided, single submitter. Criteria: GeneDx Variant Classification (06012015). Collection method: clinical testing. Allele origin: germline. Affected: yes.
Comment: This variant is considered likely benign or benign based on one or more of the following criteria: it is a conservative change, it occurs at a poorly conserved position in the protein, it is predicted to be benign by multiple in silico algorithms, and/or has population frequency not consistent with disease.